The following is an entry in ClinVar:

NM_017617.5(NOTCH1):c.2226C>G (p.Asp742Glu)

Gene: NOTCH1 (notch receptor 1; minus strand). Cytogenetic location: 9q34.3.
Variant type: single nucleotide variant.
Coding change: c.2226C>G on transcript NM_017617.5 (MANE Select); coding-DNA position 2226, C replaced by G.
Protein change: p.Asp742Glu; replaces aspartic acid 742 with glutamic acid.
Molecular consequence: missense variant.
Genome position (GRCh38, 1-based): chr9:136,513,519, G>C on the plus strand (C>G on the coding strand, the complement: NOTCH1 is on the minus strand). VCF-style: chr9-136513519-G-C. GRCh37 (hg19) VCF-style: chr9-139407971-G-C.
Other names: short protein forms D742E.
Identifiers: ClinVar variation 834872 (VCV000834872.10), dbSNP rs201889382, ClinGen allele CA375557330.

ClinVar aggregate classification (germline): Uncertain significance (1 of 4 stars; one submission).

Conditions:
Adams-Oliver syndrome 5 (AOS5). Identifiers: Orphanet 974, MedGen C4014970, MONDO:0014459, OMIM 616028.

Submission:

Labcorp Genetics (formerly Invitae), Labcorp
Classification: Uncertain significance for Adams-Oliver syndrome 5. Last evaluated: 2019-12-13. Review status: criteria provided, single submitter. Criteria: Invitae Variant Classification Sherloc (09022015). Collection method: clinical testing. Allele origin: germline.
Comment: This variant has not been reported in the literature in individuals with NOTCH1-related conditions. In summary, the available evidence is currently insufficient to determine the role of this variant in disease. Therefore, it has been classified as a Variant of Uncertain Significance. Algorithms developed to predict the effect of missense changes on protein structure and function output the following: SIFT: "Tolerated"; PolyPhen-2: "Benign"; Align-GVGD: "Class C0". The glutamic acid amino acid residue is found in multiple mammalian species, suggesting that this missense change does not adversely affect protein function. These predictions have not been confirmed by published functional studies and their clinical significance is uncertain. This variant is not present in population databases (ExAC no frequency). This sequence change replaces aspartic acid with glutamic acid at codon 742 of the NOTCH1 protein (p.Asp742Glu). The aspartic acid residue is highly conserved and there is a small physicochemical difference between aspartic acid and glutamic acid.